The following is an entry in ClinVar:

NM_004999.4(MYO6):c.2552A>C (p.Asp851Ala)

Gene: MYO6 (myosin VI; plus strand). Cytogenetic location: 6q14.1.
Variant type: single nucleotide variant.
Coding change: c.2552A>C on transcript NM_004999.4 (MANE Select); coding-DNA position 2552, A replaced by C.
Protein change: p.Asp851Ala; replaces aspartic acid 851 with alanine.
Molecular consequence: missense variant. On other transcripts: non-coding transcript variant (1).
Genome position (GRCh38, 1-based): chr6:75,886,888, A>C. VCF-style: chr6-75886888-A-C. GRCh37 (hg19) VCF-style: chr6-76596605-A-C.
Other names: c.2552A>C, p.Asp851Ala (NM_001300899.2, NM_001368136.1, NM_001368137.1 and 2 more transcripts); c.2537A>C, p.Asp846Ala (NM_001368138.1); short protein forms D851A, D846A.
Identifiers: ClinVar variation 178473 (VCV000178473.10), dbSNP rs142423106, ClinGen allele CA182399.
Genomic context (GRCh38, chr6:75,886,888, plus strand): 5'-AGTATTATTTTTACAGCATTGATGGTCTGGTTAAGGTGGGCACACTGAAAAAACGACTTG[A>C]TAAATTTAATGAGGTAGTCAGTGTGTTGAAAGATGGAAAACCCGAGATGAATAAACAGAT-3'
Protein context (NP_004990.3, residues 841-861): VKVGTLKKRL[Asp851Ala]KFNEVVSVLK

ClinVar aggregate classification (germline): Uncertain significance. Review status: criteria provided, multiple submitters, no conflicts (2 of 4 stars). 4 submissions from 3 submitters: Uncertain significance (4). Last evaluated 2022-07-11.

Conditions:
Inborn genetic diseases. Identifiers: MedGen C0950123, MeSH D030342.
Autosomal dominant nonsyndromic hearing loss 22. Also called: DFNA 22; Autosomal dominant nonsyndromic deafness 22. Identifiers: Orphanet 228012, MedGen C2931767, MONDO:0011660, OMIM 606346.
Autosomal recessive nonsyndromic hearing loss 37. Identifiers: Orphanet 90636, MedGen C1843028, MONDO:0011912, OMIM 607821.

Allele frequency attached by ClinVar (database versions not stated): TOPMed 0.00002; gnomAD 0.00003; gnomAD exomes 0.00003; ExAC 0.00004; ESP Exome Variant Server 0.00008.
gnomAD v4.1: 67 of 1,613,736 alleles (0.0042%); highest among the groups gnomAD compares: Non-Finnish European, 0.005%; no homozygotes.

Submissions (4):

Ambry Genetics
Classification: Uncertain significance for Inborn genetic diseases. Last evaluated: 2022-07-11. Review status: criteria provided, single submitter. Criteria: Ambry Variant Classification Scheme 2023. Collection method: clinical testing. Allele origin: germline.

Illumina Laboratory Services, Illumina
Classification: Uncertain significance for Autosomal dominant nonsyndromic hearing loss 22. Last evaluated: 2018-01-12. Review status: criteria provided, single submitter. Criteria: ICSL Variant Classification Criteria 13 December 2019. Collection method: clinical testing. Allele origin: germline.

Illumina Laboratory Services, Illumina
Classification: Uncertain significance for Autosomal recessive nonsyndromic hearing loss 37. Last evaluated: 2018-01-12. Review status: criteria provided, single submitter. Criteria: ICSL Variant Classification Criteria 13 December 2019. Collection method: clinical testing. Allele origin: germline.

Laboratory for Molecular Medicine, Mass General Brigham Personalized Medicine
Classification: Uncertain significance. Last evaluated: 2013-11-22. Review status: criteria provided, single submitter. Criteria: LMM Criteria. Collection method: clinical testing. Allele origin: germline. Observed: 1 variant allele.
Comment: The Asp851Ala variant in MYO6 has not been previously reported in individuals wi th hearing loss, but has been identified in 1/8600 (0.01%) European American chr omosomes by the NHLBI Exome Sequencing Project (dbSNP rs142423106). Computational analyses (biochemical amino acid propertie s, conservation, AlignGVGD, PolyPhen2, and SIFT) suggest that the Asp851Ala vari ant may not impact the protein, though this information is not predictive enough to rule out pathogenicity. In summary, additional data is needed to determine the clinical significance of this variant.